The following is an entry in ClinVar:

ClinVar aggregate classification (germline): Uncertain significance (1 of 4 stars; one submission).

Conditions:
Hypotonia, ataxia, developmental delay, and tooth enamel defect syndrome. Identifiers: MedGen C4693578, MONDO:0060666, OMIM 617915.

Submission:

3billion
Classification: Uncertain significance for Hypotonia, ataxia, developmental delay, and tooth enamel defect syndrome. Last evaluated: 2025-09-03. Review status: criteria provided, single submitter. Criteria: ACMG Guidelines, 2015. Collection method: clinical testing. Allele origin: germline. Affected: yes.
Comment: The variant is not observed in the gnomAD v4.1.0 dataset. Predicted Consequence/Location: Missense variant. Missense changes are a common disease-causing mechanism. In silico tool predictions suggest damaging effect of the variant on gene or gene product [REVEL: 0.74 (>=0.6, sensitivity 0.68 and specificity 0.92)]. Therefore, this variant is classified as VUS according to the recommendation of ACMG/AMP guideline.

NM_001012614.2(CTBP1):c.498G>C (p.Leu166Phe)

Gene: CTBP1 (C-terminal binding protein 1; minus strand). Cytogenetic location: 4p16.3.
Variant type: single nucleotide variant.
Coding change: c.498G>C on transcript NM_001012614.2 (MANE Select); coding-DNA position 498, G replaced by C.
Protein change: p.Leu166Phe; replaces leucine 166 with phenylalanine.
Molecular consequence: missense variant.
Genome position (GRCh38, 1-based): chr4:1,225,376, C>G on the plus strand (G>C on the coding strand, the complement: CTBP1 is on the minus strand). VCF-style: chr4-1225376-C-G. GRCh37 (hg19) VCF-style: chr4-1219164-C-G.
Other names: c.531G>C, p.Leu177Phe (NM_001328.3, NM_001377186.1); c.498G>C, p.Leu166Phe (NM_001377187.1, NM_001377188.1, NM_001377189.1 and 4 more transcripts); short protein forms L166F, L177F.
Identifiers: ClinVar variation 4855858 (VCV004855858.1).